The following is an entry in ClinVar:

ClinVar aggregate classification (germline): Uncertain significance. Review status: criteria provided, multiple submitters, no conflicts (2 of 4 stars). 7 submissions from 7 submitters: Uncertain significance (7). Last evaluated 2026-09-01.

Conditions:
Congenital myopathy with fiber type disproportion. Also called: Congenital fiber-type disproportion myopathy; Congenital fiber-type disproportion. Identifiers: Orphanet 2020, MedGen C0546264, MONDO:0009711. Inheritance: all.
Malignant hyperthermia, susceptibility to, 1 (MHS1). Also called: Anesthesia related hyperthermia; Malignant hyperpyrexia; Fulminating hyperpyrexia; Pharmacogenic myopathy; Malignant hyperthermia suceptibility 1; RYR1-Related Malignant Hyperthermia Susceptibility. Identifiers: Orphanet 423, MedGen C2930980, MONDO:0007783, OMIM 145600.
Central core myopathy (CMYO1A). Also called: CONGENITAL MYOPATHY 1A, AUTOSOMAL DOMINANT, WITH SUSCEPTIBILITY TO MALIGNANT HYPERTHERMIA; Central core disease; Myopathy, central fibrillar. Identifiers: Orphanet 597, MedGen C5830701, MONDO:0007294, OMIM 117000.
Congenital multicore myopathy with external ophthalmoplegia (CMYO1B). Also called: MULTIMINICORE DISEASE WITH EXTERNAL OPHTHALMOPLEGIA; Minicore myopathy with external ophthalmoplegia; MULTICORE MYOPATHY; Congenital myopathy 1B, autosomal recessive; Minicore myopathy. Identifiers: Orphanet 598, Orphanet 98905, MedGen C1850674, MONDO:0009712, OMIM 255320, HP:0003789.
King Denborough syndrome (KDS). Identifiers: MedGen C1840365, MONDO:0020485, OMIM 619542.
RYR1-related disorder. Also called: RYR1-related disorders; RYR1-related condition. Identifiers: MedGen CN239331.

Allele frequency attached by ClinVar (database versions not stated): gnomAD 0.00002 and 0.00003; TOPMed 0.00005; gnomAD exomes 0.00006; ExAC 0.00010; ESP Exome Variant Server 0.00023.
gnomAD v4.1: 83 of 1,588,996 alleles (0.0052%); highest among the groups gnomAD compares: Non-Finnish European, 0.0062%; no homozygotes.

Submissions (7):

CeGaT Center for Human Genetics Tuebingen
Classification: Uncertain significance. Last evaluated: 2026-09-01. Review status: criteria provided, single submitter. Criteria: CeGaT Center For Human Genetics Tuebingen Variant Classification Criteria Version 2. Collection method: clinical testing. Allele origin: germline. Affected: yes. Observed: 1 variant allele.
Comment: RYR1: PP3

GeneDx
Classification: Uncertain significance. Last evaluated: 2026-03-18. Review status: criteria provided, single submitter. Criteria: GeneDx Variant Classification Process June 2021. Collection method: clinical testing. Allele origin: germline.
Comment: Previously reported as a variant of uncertain significance in an individual with a family history of possible malignant hyperthermia (PMID: 23558838); Identified in a single patient with episodic weakness and muscle cramps, followed by episodic parapysis with myalgia; however, evidence in support of pathogenicity for this variant was not provided in the report (PMID: 29298851); In silico analysis supports that this missense variant has a deleterious effect on protein structure/function; Not observed at significant frequency in large population cohorts (gnomAD); Reported in a patient with orbicularis oris and buccinator muscle weakness; however, this patient was described as pauci-symptomatic and had undefined myopathic changes on muscle biopsy (PMID: 36833224); This variant is associated with the following publications: (PMID: 23558838, 29298851, 38009256, 36833224)

Labcorp Genetics (formerly Invitae), Labcorp
Classification: Uncertain significance for RYR1-related disorder. Last evaluated: 2024-12-18. Review status: criteria provided, single submitter. Criteria: Invitae Variant Classification Sherloc (09022015). Collection method: clinical testing. Allele origin: germline.
Comment: This sequence change replaces arginine, which is basic and polar, with histidine, which is basic and polar, at codon 1043 of the RYR1 protein (p.Arg1043His). This variant is present in population databases (rs374776563, gnomAD 0.008%). This missense change has been observed in individual(s) with a family history of malignant hyperthermia and atypical periodic paralysis and myalgia (PMID: 23558838, 29298851, 36833224). ClinVar contains an entry for this variant (Variation ID: 478221). Invitae Evidence Modeling of protein sequence and biophysical properties (such as structural, functional, and spatial information, amino acid conservation, physicochemical variation, residue mobility, and thermodynamic stability) indicates that this missense variant is expected to disrupt RYR1 protein function with a positive predictive value of 95%. Studies have shown that this missense change alters RYR1 gene expression (PMID: 36833224). In summary, the available evidence is currently insufficient to determine the role of this variant in disease. Therefore, it has been classified as a Variant of Uncertain Significance.

All of Us Research Program, National Institutes of Health
Classification: Uncertain significance for Malignant hyperthermia, susceptibility to, 1. Last evaluated: 2024-07-29. Review status: criteria provided, single submitter. Criteria: ACMG Guidelines, 2015. Collection method: clinical testing. Allele origin: germline. Inheritance: Autosomal dominant inheritance. Observed: 9 variant alleles, 9 heterozygotes.
Comment: This missense variant replaces arginine with histidine at codon 1043 of the RYR1 protein. Computational prediction suggests that this variant may have deleterious impact on protein structure and function (internally defined REVEL score threshold >= 0.7, PMID: 27666373). To our knowledge, functional studies have not been reported for this variant. This variant has been reported in an individual affected with malignant hyperthermia susceptibility (PMID: 23558838). This variant has been identified in 12/230810 chromosomes in the general population by the Genome Aggregation Database (gnomAD). The available evidence is insufficient to determine the role of this variant in disease conclusively. Therefore, this variant is classified as a Variant of Uncertain Significance.

This study involves interpretation of variants in research participants for the purpose of population health screening. Participant phenotype was not available at the time of variant classification. Additional details can be found in publication PMID: 35346344, PMCID: PMC8962531

Color Diagnostics, LLC DBA Color Health
Classification: Uncertain significance for Malignant hyperthermia, susceptibility to, 1. Last evaluated: 2024-03-21. Review status: criteria provided, single submitter. Criteria: ACMG Guidelines, 2015. Collection method: clinical testing. Allele origin: germline.
Comment: This missense variant replaces arginine with histidine at codon 1043 of the RYR1 protein. Computational prediction suggests that this variant may have deleterious impact on protein structure and function. To our knowledge, functional studies have not been reported for this variant. This variant has been reported in an individual affected with malignant hyperthermia susceptibility (PMID: 23558838). This variant has been identified in 12/230810 chromosomes in the general population by the Genome Aggregation Database (gnomAD). The available evidence is insufficient to determine the role of this variant in disease conclusively. Therefore, this variant is classified as a Variant of Uncertain Significance.

Fulgent Genetics
Classification: Uncertain significance for Central core myopathy; Malignant hyperthermia, susceptibility to, 1; Congenital myopathy 4A, autosomal dominant; Congenital multicore myopathy with external ophthalmoplegia; King Denborough syndrome. Last evaluated: 2021-09-16. Review status: criteria provided, single submitter. Criteria: ACMG Guidelines, 2015. Collection method: clinical testing. Allele origin: unknown.

Revvity Omics, Revvity
Classification: Uncertain significance. Last evaluated: 2019-04-22. Review status: criteria provided, single submitter. Criteria: ACMG Guidelines, 2015. Collection method: clinical testing. Allele origin: germline.

Literature cited by the submitters: PubMed 23558838 (cited by 3 submitters); PubMed 29298851 (cited by Labcorp Genetics (formerly Invitae), Labcorp); PubMed 36833224 (cited by Labcorp Genetics (formerly Invitae), Labcorp).

NM_000540.3(RYR1):c.3128G>A (p.Arg1043His)

Gene: RYR1 (ryanodine receptor 1; plus strand). Cytogenetic location: 19q13.2.
Variant type: single nucleotide variant.
Coding change: c.3128G>A on transcript NM_000540.3 (MANE Select); coding-DNA position 3128, G replaced by A.
Protein change: p.Arg1043His; replaces arginine 1043 with histidine.
Molecular consequence: missense variant.
Genome position (GRCh38, 1-based): chr19:38,466,348, G>A. VCF-style: chr19-38466348-G-A. GRCh37 (hg19) VCF-style: chr19-38956988-G-A.
Other names: c.3128G>A, p.Arg1043His (NM_001042723.2); short protein forms R1043H.
Identifiers: ClinVar variation 478221 (VCV000478221.18), dbSNP rs374776563, ClinGen allele CA064447.